The following is an entry in ClinVar:

ClinVar aggregate classification (germline): Likely pathogenic (0 of 4 stars; one submission).

Conditions:
FGFR1-related disorder. Also called: FGFR1-related condition; FGFR1-related disorders. Identifiers: MedGen CN380097.

Submission:

PreventionGenetics, part of Exact Sciences
Classification: Likely pathogenic for FGFR1-related condition. Last evaluated: 2024-03-14. Review status: no assertion criteria provided. Collection method: clinical testing. Allele origin: germline.
Comment: The FGFR1 c.1816C>T variant is predicted to result in premature protein termination (p.Gln606*). To our knowledge, this variant has not been reported in the literature or in a large population database, indicating this variant is rare. Nonsense variants in FGFR1 are expected to be pathogenic. This variant is interpreted as likely pathogenic.

NM_023110.3(FGFR1):c.1816C>T (p.Gln606Ter)

Gene: FGFR1 (fibroblast growth factor receptor 1; minus strand). Cytogenetic location: 8p11.23.
Variant type: single nucleotide variant.
Coding change: c.1816C>T on transcript NM_023110.3 (MANE Select); coding-DNA position 1816, C replaced by T.
Protein change: p.Gln606Ter; replaces glutamine 606 with a stop codon.
Molecular consequence: nonsense.
Genome position (GRCh38, 1-based): chr8:38,415,908, G>A on the plus strand (C>T on the coding strand, the complement: FGFR1 is on the minus strand). VCF-style: chr8-38415908-G-A. GRCh37 (hg19) VCF-style: chr8-38273426-G-A.
Other names: c.1810C>T, p.Gln604Ter (NM_001174063.2, NM_001174065.2, NM_001354367.2 and 1 more transcripts); c.1786C>T, p.Gln596Ter (NM_001174064.2); c.1549C>T, p.Gln517Ter (NM_001174066.2, NM_023105.3); c.1909C>T, p.Gln637Ter (NM_001174067.2); c.1537C>T, p.Gln513Ter (NM_001354368.2); c.1804C>T, p.Gln602Ter (NM_001354369.2, NM_001410922.1); c.1543C>T, p.Gln515Ter (NM_001354370.2, NM_023106.3); short protein forms Q513*, Q515*, Q517*, Q596*, Q602*, Q604*, Q606*, Q637*.
Identifiers: ClinVar variation 3348925 (VCV003348925.1).